The following is an entry in ClinVar:

ClinVar aggregate classification (germline): Uncertain significance (1 of 4 stars; one submission).

Allele frequency attached by ClinVar (database versions not stated): gnomAD 0.00001.
gnomAD v4.1: 1 of 1,613,968 alleles (0.000062%); highest among the groups gnomAD compares: African/African-American, 0.0013%; no homozygotes.

Submission:

Labcorp Genetics (formerly Invitae), Labcorp
Classification: Uncertain significance. Last evaluated: 2021-08-20. Review status: criteria provided, single submitter. Criteria: Invitae Variant Classification Sherloc (09022015). Collection method: clinical testing. Allele origin: germline.
Comment: This sequence change replaces glutamic acid with lysine at codon 1302 of the LAMA1 protein (p.Glu1302Lys). The glutamic acid residue is moderately conserved and there is a small physicochemical difference between glutamic acid and lysine. This variant is not present in population databases (ExAC no frequency). This variant has not been reported in the literature in individuals affected with LAMA1-related conditions. Algorithms developed to predict the effect of missense changes on protein structure and function are either unavailable or do not agree on the potential impact of this missense change (SIFT: "Tolerated"; PolyPhen-2: "Possibly Damaging"; Align-GVGD: "Class C0"). In summary, the available evidence is currently insufficient to determine the role of this variant in disease. Therefore, it has been classified as a Variant of Uncertain Significance.

NM_005559.4(LAMA1):c.3904G>A (p.Glu1302Lys)

Gene: LAMA1 (laminin subunit alpha 1; minus strand). Cytogenetic location: 18p11.31.
Variant type: single nucleotide variant.
Coding change: c.3904G>A on transcript NM_005559.4 (MANE Select); coding-DNA position 3904, G replaced by A.
Protein change: p.Glu1302Lys; replaces glutamic acid 1302 with lysine.
Molecular consequence: missense variant.
Genome position (GRCh38, 1-based): chr18:7,009,336, C>T on the plus strand (G>A on the coding strand, the complement: LAMA1 is on the minus strand). VCF-style: chr18-7009336-C-T. GRCh37 (hg19) VCF-style: chr18-7009335-C-T.
Other names: short protein forms E1302K.
Identifiers: ClinVar variation 1376543 (VCV001376543.6), dbSNP rs2057848299, ClinGen allele CA401848040.